The following is an entry in ClinVar:

ClinVar aggregate classification (germline): Conflicting classifications of pathogenicity. Review status: criteria provided, conflicting classifications (1 of 4 stars). 7 submissions from 7 submitters: Uncertain significance (1); Likely benign (5). 1 of the submissions does not count toward it. Last evaluated 2025-12-17.

Conditions:
SLX4-related disorder. Also called: SLX4-related condition.
Fanconi anemia (FA). Also called: Fanconi's anemia. Identifiers: Orphanet 84, MedGen C0015625, MeSH D005199, MONDO:0019391.
Fanconi anemia complementation group P. Also called: SLX4-Related Fanconi Anemia. Identifiers: Orphanet 84, MedGen C3469542, MONDO:0013499, OMIM 613951.

Allele frequency attached by ClinVar (database versions not stated): gnomAD exomes 0.00009 and 0.00013; ESP Exome Variant Server 0.00023; ExAC 0.00032; gnomAD 0.00042 and 0.00044; TOPMed 0.00049; 1000 Genomes Project 0.00100; 1000 Genomes Project 30x 0.00109.
gnomAD v4.1: 204 of 1,596,398 alleles (0.013%); highest among the groups gnomAD compares: African/African-American, 0.12%; 1 homozygote.

Submissions (7):

Labcorp Genetics (formerly Invitae), Labcorp
Classification: Likely benign for Fanconi anemia. Last evaluated: 2025-12-17. Review status: criteria provided, single submitter. Criteria: Invitae Variant Classification Sherloc (09022015). Collection method: clinical testing. Allele origin: germline.

Blueprint Genetics
Classification: Likely benign. Last evaluated: 2024-09-05. Review status: criteria provided, single submitter. Criteria: ACMG Guidelines, 2015. Collection method: clinical testing. Allele origin: germline.

CeGaT Center for Human Genetics Tuebingen
Classification: Likely benign. Last evaluated: 2024-09-01. Review status: criteria provided, single submitter. Criteria: CeGaT Center For Human Genetics Tuebingen Variant Classification Criteria Version 2. Collection method: clinical testing. Allele origin: germline. Affected: yes. Observed: 1 variant allele.
Comment: SLX4: BP4, BP7

Sema4
Classification: Likely benign for Fanconi anemia. Last evaluated: 2021-07-16. Review status: criteria provided, single submitter. Criteria: Sema4 Curation Guidelines. Collection method: curation. Allele origin: germline.

Illumina Laboratory Services, Illumina
Classification: Uncertain significance for Fanconi anemia complementation group P. Last evaluated: 2018-01-12. Review status: criteria provided, single submitter. Criteria: ICSL Variant Classification Criteria 13 December 2019. Collection method: clinical testing. Allele origin: germline.

Genetic Services Laboratory, University of Chicago
Classification: Likely benign. Last evaluated: 2017-04-07. Review status: criteria provided, single submitter. Criteria: ACMG Guidelines, 2015. Collection method: clinical testing. Allele origin: germline. Affected: no.

PreventionGenetics, part of Exact Sciences
Classification: Likely benign for SLX4-related condition. Last evaluated: 2021-11-18. Review status: no assertion criteria provided. Collection method: clinical testing. Allele origin: germline. Not counted in ClinVar's aggregate classification.
Comment: This variant is classified as likely benign based on ACMG/AMP sequence variant interpretation guidelines (Richards et al. 2015 PMID: 25741868, with internal and published modifications).

NM_032444.4(SLX4):c.1707G>A (p.Pro569=)

Gene: SLX4 (SLX4 structure-specific endonuclease subunit; minus strand). Cytogenetic location: 16p13.3.
Variant type: single nucleotide variant.
Coding change: c.1707G>A on transcript NM_032444.4 (MANE Select); coding-DNA position 1707, G replaced by A.
Protein change: p.Pro569=; no amino-acid change (proline 569 retained).
Molecular consequence: synonymous variant.
Genome position (GRCh38, 1-based): chr16:3,596,370, C>T on the plus strand (G>A on the coding strand, the complement: SLX4 is on the minus strand). VCF-style: chr16-3596370-C-T. GRCh37 (hg19) VCF-style: chr16-3646371-C-T.
Other names: c.1707G>A (LRG_503t1, NM_032444.3).
Identifiers: ClinVar variation 241666 (VCV000241666.36), dbSNP rs141687678, ClinGen allele CA7866429.